The following is an entry in ClinVar:

NM_139057.4(ADAMTS17):c.1716delC (p.Pro575fs)

Genes: ADAMTS17 (ADAM metallopeptidase with thrombospondin type 1 motif 17; minus strand), LOC130058037 (ATAC-STARR-seq lymphoblastoid active region 10166; plus strand). Cytogenetic location: 15q26.3.
Variant type: Deletion.
Coding change: c.1716delC on transcript NM_139057.4 (MANE Select); coding-DNA position 1716, one base deleted (C).
Protein change: p.Pro575fs; shifts the reading frame from proline 575.
Molecular consequence: frameshift variant.
Genome position (GRCh38, 1-based): chr15:100,132,007, G deleted on the plus strand (C on the coding strand, the reverse complement: ADAMTS17 is on the minus strand); the first of 6 consecutive G bases (chr15:100,132,007-100,132,012); deleting any one gives the same sequence. VCF-style (leftmost placement, unchanged base first): chr15-100132006-CG-C. GRCh37 (hg19) VCF-style: chr15-100672211-CG-C.
Other names: c.1721del (NM_139057.4); short protein forms P575fs.
Identifiers: ClinVar variation 4850019 (VCV004850019.1).

ClinVar aggregate classification (germline): Likely pathogenic (1 of 4 stars; one submission).

Conditions:
Weill-Marchesani 4 syndrome, recessive. Also called: Weill-Marchesani syndrome 4. Identifiers: Orphanet 363992, MedGen C2750787, MONDO:0013176, OMIM 613195.

Submission:

Variantyx, Inc.
Classification: Likely pathogenic for Weill-Marchesani 4 syndrome, recessive. Last evaluated: 2026-01-21. Review status: criteria provided, single submitter. Criteria: Variantyx Assertion Criteria 2022. Collection method: clinical testing. Allele origin: germline. Inheritance: Autosomal recessive inheritance. Affected: yes.
Comment: This is a frameshift variant in the ADAMTS17 gene (OMIM: 607511). Pathogenic variants in this gene have been associated with autosomal recessive Weill-Marchesani syndrome 4. The alteration introduces a premature termination codon in exon 12 out of 22 and is expected to result in loss of function, which is a known disease mechanism for ADAMTS17 in this disorder (PVS1) (PMID:19836009). This variant has a 0.0001% maximum allele frequency in non-founder control populations (PM2), and it has not been reported in individuals with ADAMTS17-related disorders in the databases available for review. Based on the current evidence, this variant is classified as likely pathogenic for autosomal recessive Weill-Marchesani syndrome 4.

Literature cited by the submitters: PubMed 19836009.